The following is an entry in ClinVar:

NM_006231.4(POLE):c.842T>C (p.Leu281Pro)

Gene: POLE (DNA polymerase epsilon, catalytic subunit; minus strand). Cytogenetic location: 12q24.33.
Variant type: single nucleotide variant.
Coding change: c.842T>C on transcript NM_006231.4 (MANE Select); coding-DNA position 842, T replaced by C.
Protein change: p.Leu281Pro; replaces leucine 281 with proline.
Molecular consequence: missense variant.
Genome position (GRCh38, 1-based): chr12:132,676,613, A>G on the plus strand (T>C on the coding strand, the complement: POLE is on the minus strand). VCF-style: chr12-132676613-A-G. GRCh37 (hg19) VCF-style: chr12-133253199-A-G.
Other names: short protein forms L281P.
Identifiers: ClinVar variation 473834 (VCV000473834.8), dbSNP rs1555229430, ClinGen allele CA387364304.

ClinVar aggregate classification (germline): Uncertain significance (1 of 4 stars; one submission).

Submission:

Labcorp Genetics (formerly Invitae), Labcorp
Classification: Uncertain significance. Last evaluated: 2017-01-24. Review status: criteria provided, single submitter. Criteria: Invitae Variant Classification Sherloc (09022015). Collection method: clinical testing. Allele origin: germline.
Comment: In summary, this variant is a novel missense change with uncertain impact on protein function. It has been classified as a Variant of Uncertain Significance. Algorithms developed to predict the effect of missense changes on protein structure and function do not agree on the potential impact of this missense change (SIFT: "Tolerated"; PolyPhen-2: "Probably Damaging"; Align-GVGD: "Class C0"). This variant is not present in population databases (ExAC no frequency) and has not been reported in the literature in individuals with a POLE-related disease. This sequence change replaces leucine with proline at codon 281 of the POLE protein (p.Leu281Pro). The leucine residue is highly conserved and there is a moderate physicochemical difference between leucine and proline.